The following is an entry in ClinVar:

ClinVar aggregate classification (germline): Pathogenic. Review status: criteria provided, multiple submitters, no conflicts (2 of 4 stars). 3 submissions from 3 submitters: Pathogenic (3). Last evaluated 2025-08-09.

Conditions:
Autosomal dominant polycystic kidney disease. Identifiers: Orphanet 730, MedGen C0085413, MONDO:0004691.
Polycystic kidney disease 2 (PKD2). Also called: POLYCYSTIC KIDNEY DISEASE 2 WITH OR WITHOUT POLYCYSTIC LIVER DISEASE; Polycystic Kidney Disease 2, Autosomal Dominant; POLYCYSTIC KIDNEY DISEASE, ADULT, TYPE II. Identifiers: MedGen C2751306, MONDO:0013131, OMIM 613095.

Submissions (3):

Labcorp Genetics (formerly Invitae), Labcorp
Classification: Pathogenic for Autosomal dominant polycystic kidney disease. Last evaluated: 2025-08-09. Review status: criteria provided, single submitter. Criteria: Invitae Variant Classification Sherloc (09022015). Collection method: clinical testing. Allele origin: germline.
Comment: This sequence change creates a premature translational stop signal (p.Trp118*) in the PKD2 gene. It is expected to result in an absent or disrupted protein product. Loss-of-function variants in PKD2 are known to be pathogenic (PMID: 17582161, 22863349). This variant is not present in population databases (gnomAD no frequency). This variant has not been reported in the literature in individuals affected with PKD2-related conditions. ClinVar contains an entry for this variant (Variation ID: 3895605). For these reasons, this variant has been classified as Pathogenic.

Women's Health and Genetics/Laboratory Corporation of America, LabCorp
Classification: Pathogenic for Polycystic kidney disease 2. Last evaluated: 2025-03-17. Review status: criteria provided, single submitter. Criteria: LabCorp Variant Classification Summary - May 2015. Collection method: clinical testing. Allele origin: germline.
Comment: Variant summary: PKD2 c.353G>A (p.Trp118X) results in a premature termination codon, predicted to cause a truncation of the encoded protein or absence of the protein due to nonsense mediated decay, which are commonly known mechanisms for disease. The variant was absent in 122302 control chromosomes (gnomAD). To our knowledge, no occurrence of c.353G>A in individuals affected with Polycystic Kidney Disease 2. No submitters have cited clinical-significance assessments for this variant to ClinVar. Based on the evidence outlined above, the variant was classified as pathogenic.

GeneDx
Classification: Pathogenic. Last evaluated: 2025-01-13. Review status: criteria provided, single submitter. Criteria: GeneDx Variant Classification Process June 2021. Collection method: clinical testing. Allele origin: germline. Affected: yes.
Comment: Nonsense variant predicted to result in protein truncation or nonsense mediated decay in a gene for which loss of function is a known mechanism of disease; Not observed at significant frequency in large population cohorts (gnomAD); Has not been previously published as pathogenic or benign to our knowledge

Literature cited by the submitters: PubMed 17582161 (cited by Labcorp Genetics (formerly Invitae), Labcorp); PubMed 22863349 (cited by Labcorp Genetics (formerly Invitae), Labcorp).

NM_000297.4(PKD2):c.353G>A (p.Trp118Ter)

Genes: PKD2 (polycystin 2, transient receptor potential cation channel; plus strand), LOC129992813 (ATAC-STARR-seq lymphoblastoid silent region 15559; plus strand). Cytogenetic location: 4q22.1.
Variant type: single nucleotide variant.
Coding change: c.353G>A on transcript NM_000297.4 (MANE Select); coding-DNA position 353, G replaced by A.
Protein change: p.Trp118Ter; replaces tryptophan 118 with a stop codon.
Molecular consequence: nonsense. On other transcripts: non-coding transcript variant (1).
Genome position (GRCh38, 1-based): chr4:88,008,086, G>A. VCF-style: chr4-88008086-G-A. GRCh37 (hg19) VCF-style: chr4-88929238-G-A.
Other names: c.353G>A (NM_000297.3); short protein forms W118*.
Identifiers: ClinVar variation 3895605 (VCV003895605.3).